The following is an entry in ClinVar:

NM_000051.4(ATM):c.8521G>A (p.Asp2841Asn)

Genes: ATM (ATM serine/threonine kinase; plus strand), C11orf65 (chromosome 11 open reading frame 65; minus strand). Cytogenetic location: 11q22.3.
Variant type: single nucleotide variant.
Coding change: c.8521G>A on transcript NM_000051.4 (MANE Select); coding-DNA position 8521, G replaced by A.
Protein change: p.Asp2841Asn; replaces aspartic acid 2841 with asparagine.
Molecular consequence: missense variant. On other transcripts: intron variant (2).
Genome position (GRCh38, 1-based): chr11:108,345,845, G>A. VCF-style: chr11-108345845-G-A. GRCh37 (hg19) VCF-style: chr11-108216572-G-A.
Other names: c.695-10553C>T (NM_001351110.2); c.8521G>A, p.Asp2841Asn (NM_001351834.2); c.641-36774C>T (NM_001330368.2); short protein forms D2841N.
Identifiers: ClinVar variation 1051838 (VCV001051838.9), dbSNP rs786203013, ClinGen allele CA382518304.
Genomic context (GRCh38, chr11:108,345,845, plus strand): 5'-ATGGATGTTTGCCAAAATTTTCAACCAGTTTTCCGTTACTTCTGCATGGAAAAATTCTTG[G>A]ATCCAGCTATTTGGTTTGAGAAGCGATTGGCTTATACGCGCAGTGTAGCTACTTCTTCTA-3'
Protein context (NP_000042.3, residues 2831-2851): FRYFCMEKFL[Asp2841Asn]PAIWFEKRLA

ClinVar aggregate classification (germline): Uncertain significance. Review status: criteria provided, multiple submitters, no conflicts (2 of 4 stars). 2 submissions from 2 submitters: Uncertain significance (2). Last evaluated 2025-07-11.

Conditions:
Hereditary cancer-predisposing syndrome. Also called: Neoplastic Syndromes, Hereditary; Tumor predisposition; Hereditary Cancer Syndrome; Hereditary neoplastic syndrome. Identifiers: Orphanet 140162, MedGen C0027672, MeSH D009386, MONDO:0015356.
Ataxia-telangiectasia syndrome (AT). Also called: Ataxia telangiectasia (A-T); ATAXIA-TELANGIECTASIA, COMPLEMENTATION GROUP A; ATAXIA-TELANGIECTASIA, FRESNO VARIANT; Ataxia-telangiectasia; Ataxia-telangiectasia, complementation group E; LOUIS-BAR SYNDROME. Identifiers: Orphanet 100, MedGen C0004135, MONDO:0008840, OMIM 208900.

Submissions (2):

Ambry Genetics
Classification: Uncertain significance for Hereditary cancer-predisposing syndrome. Last evaluated: 2025-07-11. Review status: criteria provided, single submitter. Criteria: Ambry Variant Classification Scheme 2023. Collection method: clinical testing. Allele origin: germline.
Comment: The p.D2841N variant (also known as c.8521G>A), located in coding exon 57 of the ATM gene, results from a G to A substitution at nucleotide position 8521. The aspartic acid at codon 2841 is replaced by asparagine, an amino acid with highly similar properties. This amino acid position is highly conserved in available vertebrate species. In addition, this alteration is predicted to be tolerated by in silico analysis. Based on the available evidence, the clinical significance of this variant remains unclear.

Labcorp Genetics (formerly Invitae), Labcorp
Classification: Uncertain significance for Ataxia-telangiectasia syndrome. Last evaluated: 2020-08-06. Review status: criteria provided, single submitter. Criteria: Invitae Variant Classification Sherloc (09022015). Collection method: clinical testing. Allele origin: germline.
Comment: In summary, the available evidence is currently insufficient to determine the role of this variant in disease. Therefore, it has been classified as a Variant of Uncertain Significance. Algorithms developed to predict the effect of missense changes on protein structure and function are either unavailable or do not agree on the potential impact of this missense change (SIFT: "Deleterious"; PolyPhen-2: "Possibly Damaging"; Align-GVGD: "Class C15"). This variant has not been reported in the literature in individuals with ATM-related conditions. This variant is not present in population databases (ExAC no frequency). This sequence change replaces aspartic acid with asparagine at codon 2841 of the ATM protein (p.Asp2841Asn). The aspartic acid residue is highly conserved and there is a small physicochemical difference between aspartic acid and asparagine.